The following is an entry in ClinVar:

ClinVar aggregate classification (germline): Pathogenic (1 of 4 stars; one submission).

Submission:

ISCA Site 6
Classification: Pathogenic. Last evaluated: 2011-08-12. Review status: criteria provided, single submitter. Criteria: Kaminsky et al. (Genet Med. 2011). Collection method: clinical testing. Allele origin: unknown. Affected: yes. Observed: 1 variant allele.
Comment: Copy number variation identified through the course of routine clinical cytogenomic testing in postnatal populations. Clinical assertions have been curated as described in Kaminsky et al. 2011.

GRCh38/hg38 11q24.2-25(chr11:126433740-135040246)x1

Genes: OPCML-IT1 (OPCML intronic transcript 1; minus strand), PRDM10 (PR/SET domain 10; minus strand), PRDM10-DT (PRDM10 divergent transcript; plus strand), SENCR (smooth muscle and endothelial cell enriched migration/differentiation-associated lncRNA; minus strand), SNORD153 (small nucleolar RNA, C/D box 153; minus strand) and 238 more. Cytogenetic location: 11q24.2-25.
Variant type: copy number loss.
Change: copy number 1 (one copy instead of two) of chr11:126,433,740-135,040,246 (8.61 Mb, GRCh38 coordinates, 1-based), cytogenetic band 11q24.2-25.
Identifiers: ClinVar variation 58948 (VCV000058948.2).